The following is an entry in ClinVar:

ClinVar aggregate classification (germline): Uncertain significance (1 of 4 stars; one submission).

Allele frequency attached by ClinVar (database versions not stated): gnomAD exomes 0.00001.

Submission:

Labcorp Genetics (formerly Invitae), Labcorp
Classification: Uncertain significance. Last evaluated: 2023-10-22. Review status: criteria provided, single submitter. Criteria: Invitae Variant Classification Sherloc (09022015). Collection method: clinical testing. Allele origin: germline.
Comment: This sequence change replaces methionine, which is neutral and non-polar, with valine, which is neutral and non-polar, at codon 931 of the ARID1B protein (p.Met931Val). This variant is present in population databases (no rsID available, gnomAD 0.0009%). This variant has not been reported in the literature in individuals affected with ARID1B-related conditions. Advanced modeling of protein sequence and biophysical properties (such as structural, functional, and spatial information, amino acid conservation, physicochemical variation, residue mobility, and thermodynamic stability) has been performed at Invitae for this missense variant, however the output from this modeling did not meet the statistical confidence thresholds required to predict the impact of this variant on ARID1B protein function. In summary, the available evidence is currently insufficient to determine the role of this variant in disease. Therefore, it has been classified as a Variant of Uncertain Significance.

NM_001374828.1(ARID1B):c.3001A>G (p.Met1001Val)

Gene: ARID1B (AT-rich interaction domain 1B; plus strand). Cytogenetic location: 6q25.3.
Variant type: single nucleotide variant.
Coding change: c.3001A>G on transcript NM_001374828.1 (MANE Select); coding-DNA position 3001, A replaced by G.
Protein change: p.Met1001Val; replaces methionine 1001 with valine.
Molecular consequence: missense variant.
Genome position (GRCh38, 1-based): chr6:157,148,863, A>G. VCF-style: chr6-157148863-A-G. GRCh37 (hg19) VCF-style: chr6-157469997-A-G.
Other names: c.2752A>G, p.Met918Val (NM_001346813.1); c.502A>G, p.Met168Val (NM_001363725.2); c.3040A>G, p.Met1014Val (NM_001371656.1, NM_001374820.1); c.3001A>G, p.Met1001Val (NM_017519.3); c.2791A>G, p.Met931Val (NM_020732.3); c.2578A>G, p.Met860Val (NM_175863.2); short protein forms M1014V, M168V, M918V, M931V, M1001V, M860V.
Identifiers: ClinVar variation 2903003 (VCV002903003.3), dbSNP rs1244162531, ClinGen allele CA366389121.